The following is an entry in ClinVar:

NM_006015.6(ARID1A):c.5153A>G (p.Glu1718Gly)

Gene: ARID1A (AT-rich interaction domain 1A; plus strand). Cytogenetic location: 1p36.11.
Variant type: single nucleotide variant.
Coding change: c.5153A>G on transcript NM_006015.6 (MANE Select); coding-DNA position 5153, A replaced by G.
Protein change: p.Glu1718Gly; replaces glutamic acid 1718 with glycine.
Molecular consequence: missense variant.
Genome position (GRCh38, 1-based): chr1:26,779,051, A>G. VCF-style: chr1-26779051-A-G. GRCh37 (hg19) VCF-style: chr1-27105542-A-G.
Other names: c.4502A>G, p.Glu1501Gly (NM_139135.4); short protein forms E1501G, E1718G.
Identifiers: ClinVar variation 1059864 (VCV001059864.9), dbSNP rs1252385338, ClinGen allele CA339184001.

ClinVar aggregate classification (germline): Uncertain significance (1 of 4 stars; one submission).

Allele frequency attached by ClinVar (database versions not stated): gnomAD exomes 0.00001; TOPMed 0.00002; gnomAD 0.00003.
gnomAD v4.1: 12 of 1,508,788 alleles (0.0008%); highest among the groups gnomAD compares: Non-Finnish European, 0.0011%; no homozygotes.

Submission:

Labcorp Genetics (formerly Invitae), Labcorp
Classification: Uncertain significance. Last evaluated: 2020-09-29. Review status: criteria provided, single submitter. Criteria: Invitae Variant Classification Sherloc (09022015). Collection method: clinical testing. Allele origin: germline.
Comment: Advanced modeling of protein sequence and biophysical properties (such as structural, functional, and spatial information, amino acid conservation, physicochemical variation, residue mobility, and thermodynamic stability) performed at Invitae indicates that this missense variant is expected to disrupt ARID1A protein function. In summary, the available evidence is currently insufficient to determine the role of this variant in disease. Therefore, it has been classified as a Variant of Uncertain Significance. This variant has been observed in individual(s) with clinical features of Coffin-Siris syndrome (Invitae). This sequence change replaces glutamic acid with glycine at codon 1718 of the ARID1A protein (p.Glu1718Gly). The glutamic acid residue is highly conserved and there is a moderate physicochemical difference between glutamic acid and glycine. This variant is not present in population databases (ExAC no frequency).